The following is an entry in ClinVar:

ClinVar aggregate classification (germline): Uncertain significance (1 of 4 stars; one submission).

Conditions:
HTR2C-related disorder. Also called: HTR2C-related condition.

gnomAD v4.1: 8 of 1,209,299 alleles (0.00066%); highest among the groups gnomAD compares: African/African-American, 0.012%; no homozygotes.

Submission:

PreventionGenetics, part of Exact Sciences
Classification: Uncertain significance for HTR2C-related condition. Last evaluated: 2024-12-30. Review status: criteria provided, single submitter. Criteria: ACMG Guidelines, 2015. Collection method: clinical testing. Allele origin: germline.
Comment: The HTR2C c.911A>G variant is predicted to result in the amino acid substitution p.Asn304Ser. To our knowledge, this variant has not been reported in the literature. This variant is reported in 0.016% of alleles in individuals of African descent in gnomAD. At this time, the clinical significance of this variant is uncertain due to the absence of conclusive functional and genetic evidence.

NM_000868.4(HTR2C):c.911A>G (p.Asn304Ser)

Genes: HTR2C (5-hydroxytryptamine receptor 2C; plus strand), LOC126863306 (MED14-independent group 3 enhancer GRCh37_chrX:114140926-114142125; plus strand). Cytogenetic location: Xq23.
Variant type: single nucleotide variant.
Coding change: c.911A>G on transcript NM_000868.4 (MANE Select); coding-DNA position 911, A replaced by G.
Protein change: p.Asn304Ser; replaces asparagine 304 with serine.
Molecular consequence: missense variant. On other transcripts: 3 prime UTR variant (1).
Genome position (GRCh38, 1-based): chrX:114,906,949, A>G. VCF-style: chrX-114906949-A-G. GRCh37 (hg19) VCF-style: chrX-114141512-A-G.
Other names: c.911A>G, p.Asn304Ser (NM_001256760.3); c.*69A>G (NM_001256761.3); short protein forms N304S.
Identifiers: ClinVar variation 3357622 (VCV003357622.2).